The following is an entry in ClinVar:

ClinVar aggregate classification (germline): Uncertain significance (1 of 4 stars; one submission).

Conditions:
Ataxia-telangiectasia syndrome (AT). Also called: Ataxia-telangiectasia, complementation group D; AT, COMPLEMENTATION GROUP C; ATAXIA-TELANGIECTASIA, COMPLEMENTATION GROUP A; ATAXIA-TELANGIECTASIA, FRESNO VARIANT; Ataxia-telangiectasia; LOUIS-BAR SYNDROME. Identifiers: Orphanet 100, MedGen C0004135, MONDO:0008840, OMIM 208900.

Submission:

Labcorp Genetics (formerly Invitae), Labcorp
Classification: Uncertain significance for Ataxia-telangiectasia syndrome. Last evaluated: 2018-08-01. Review status: criteria provided, single submitter. Criteria: Invitae Variant Classification Sherloc (09022015). Collection method: clinical testing. Allele origin: germline.
Comment: This variant is not present in population databases (ExAC no frequency). This sequence change replaces arginine with lysine at codon 2568 of the ATM protein (p.Arg2568Lys). The arginine residue is weakly conserved and there is a small physicochemical difference between arginine and lysine. This variant has not been reported in the literature in individuals with ATM-related disease. In summary, the available evidence is currently insufficient to determine the role of this variant in disease. Therefore, it has been classified as a Variant of Uncertain Significance. Algorithms developed to predict the effect of missense changes on protein structure and function output the following: SIFT: "Tolerated"; PolyPhen-2: "Benign"; Align-GVGD: "Class C0". The lysine amino acid residue is found in multiple mammalian species, suggesting that this missense change does not adversely affect protein function. These predictions have not been confirmed by published functional studies and their clinical significance is uncertain.

NM_000051.4(ATM):c.7703G>A (p.Arg2568Lys)

Genes: ATM (ATM serine/threonine kinase; plus strand), C11orf65 (chromosome 11 open reading frame 65; minus strand). Cytogenetic location: 11q22.3.
Variant type: single nucleotide variant.
Coding change: c.7703G>A on transcript NM_000051.4 (MANE Select); coding-DNA position 7703, G replaced by A.
Protein change: p.Arg2568Lys; replaces arginine 2568 with lysine.
Molecular consequence: missense variant. On other transcripts: intron variant (2).
Genome position (GRCh38, 1-based): chr11:108,331,952, G>A. VCF-style: chr11-108331952-G-A. GRCh37 (hg19) VCF-style: chr11-108202679-G-A.
Other names: c.7703G>A, p.Arg2568Lys (NM_001351834.2); c.641-22881C>T (NM_001330368.2); c.*38+3268C>T (NM_001351110.2); short protein forms R2568K.
Identifiers: ClinVar variation 646060 (VCV000646060.9), dbSNP rs1591171915, ClinGen allele CA382561041.